The following is an entry in ClinVar:

ClinVar aggregate classification (germline): Uncertain significance (1 of 4 stars; one submission).

Submission:

Labcorp Genetics (formerly Invitae), Labcorp
Classification: Uncertain significance. Last evaluated: 2024-05-01. Review status: criteria provided, single submitter. Criteria: Invitae Variant Classification Sherloc (09022015). Collection method: clinical testing. Allele origin: germline.
Comment: This variant occurs in a non-coding region of the ANKRD26 gene. It does not change the encoded amino acid sequence of the ANKRD26 protein. This variant is not present in population databases (gnomAD no frequency). This variant has not been reported in the literature in individuals affected with ANKRD26-related conditions. In summary, the available evidence is currently insufficient to determine the role of this variant in disease. Therefore, it has been classified as a Variant of Uncertain Significance.

NM_014915.3(ANKRD26):c.-112G>A

Gene: ANKRD26 (ankyrin repeat domain 26; minus strand). Cytogenetic location: 10p12.1.
Variant type: single nucleotide variant.
Coding change: c.-112G>A on transcript NM_014915.3 (MANE Select); 112 bases upstream of the start codon, G replaced by A.
Molecular consequence: 5 prime UTR variant.
Genome position (GRCh38, 1-based): chr10:27,100,438, C>T on the plus strand (G>A on the coding strand, the complement: ANKRD26 is on the minus strand). VCF-style: chr10-27100438-C-T. GRCh37 (hg19) VCF-style: chr10-27389367-C-T.
Other names: c.-112G>A (NM_001256053.2).
Identifiers: ClinVar variation 3701261 (VCV003701261.2).